The following is an entry in ClinVar:

ClinVar aggregate classification (germline): Uncertain significance (1 of 4 stars; one submission).

Conditions:
Hereditary breast ovarian cancer syndrome. Also called: Hereditary breast and ovarian cancer syndrome (HBOC); Breast and ovarian cancer; Hereditary breast and/or ovarian cancer syndrome; BRCA1- and BRCA2-Associated Hereditary Breast and Ovarian Cancer; Hereditary breast and ovarian cancer syndrome; Hereditary breast and ovarian cancer. Identifiers: Orphanet 145, MedGen C0677776, MeSH D061325, MONDO:0003582. Disease mechanism: loss of function.

Submission:

Labcorp Genetics (formerly Invitae), Labcorp
Classification: Uncertain significance for Hereditary breast ovarian cancer syndrome. Last evaluated: 2025-07-21. Review status: criteria provided, single submitter. Criteria: Invitae Variant Classification Sherloc (09022015). Collection method: clinical testing. Allele origin: germline.
Comment: This variant, c.5374_5406del, results in the deletion of 11 amino acid(s) of the BRCA1 protein (p.Val1792_Thr1802del), but otherwise preserves the integrity of the reading frame. This variant is not present in population databases (gnomAD no frequency). This variant has not been reported in the literature in individuals affected with BRCA1-related conditions. This variant is also known as c.5376_5406+2del (Splice site). ClinVar contains an entry for this variant (Variation ID: 1065961). In summary, the available evidence is currently insufficient to determine the role of this variant in disease. Therefore, it has been classified as a Variant of Uncertain Significance.

NM_007294.4(BRCA1):c.5376_5406+2del

Gene: BRCA1 (BRCA1 DNA repair associated; minus strand). Cytogenetic location: 17q21.31.
Variant type: Deletion.
Coding change: c.5376_5406+2del on transcript NM_007294.4 (MANE Select); coding-DNA position 5376 through the canonical splice donor site of the intron after coding-DNA position 5406, 33 bases deleted.
Molecular consequence: splice donor variant. On other transcripts: intron variant (19).
Genome position (GRCh38, 1-based): chr17:43,049,119-43,049,151, 33 bases deleted; deleting any 33 consecutive bases within chr17:43,049,119-43,049,153 gives the same sequence; the c. name uses the placement nearest the transcript's 3' end. GRCh37 (hg19): chr17:41,201,138-41,201,170.
Other names: c.1923_1953+2del (NM_001408458.1, NM_001408461.1, NM_001408464.1 and 7 more transcripts); c.4485_4515+2del (NM_001407967.1); c.4995_5025+2del (NM_001407959.1); c.5109_5139+2del (NM_001407931.1, NM_001407932.1, NM_001407928.1 and 4 more transcripts); c.5232_5262+2del (NM_001407747.1, NM_001407745.1, NM_001407737.1 and 18 more transcripts); c.4992_5022+2del (NM_001407962.1, NM_001407960.1); c.1563_1593+2del (NM_001408512.1); c.1686_1716+2del (NM_001408510.1); and 84 more.
Identifiers: ClinVar variation 1065961 (VCV001065961.6), dbSNP rs2152911045, ClinGen allele CA2499224354.